The following is an entry in ClinVar:

ClinVar aggregate classification (germline): Uncertain significance. Review status: criteria provided, multiple submitters, no conflicts (2 of 4 stars). 2 submissions from 2 submitters: Uncertain significance (2). Last evaluated 2025-05-19.

Conditions:
Cardiovascular phenotype. Identifiers: MedGen CN230736.
Long QT syndrome (LQTS). Identifiers: MedGen C0023976, MeSH D008133, MONDO:0002442. Disease mechanism: loss of function. Inheritance: Various modes of inheritance.

Allele frequency attached by ClinVar (database versions not stated): ExAC 0.00001; gnomAD 0.00002; TOPMed 0.00002; ESP Exome Variant Server 0.00008.
gnomAD v4.1: 22 of 1,614,016 alleles (0.0014%); highest among the groups gnomAD compares: Non-Finnish European, 0.0018%; no homozygotes.

Submissions (2):

Ambry Genetics
Classification: Uncertain significance for Cardiovascular phenotype. Last evaluated: 2025-05-19. Review status: criteria provided, single submitter. Criteria: Ambry Variant Classification Scheme 2023. Collection method: clinical testing. Allele origin: germline.

Labcorp Genetics (formerly Invitae), Labcorp
Classification: Uncertain significance for Long QT syndrome. Last evaluated: 2022-06-18. Review status: criteria provided, single submitter. Criteria: Invitae Variant Classification Sherloc (09022015). Collection method: clinical testing. Allele origin: germline.
Comment: This variant has not been reported in the literature in individuals affected with ANK2-related conditions. In summary, the available evidence is currently insufficient to determine the role of this variant in disease. Therefore, it has been classified as a Variant of Uncertain Significance. Algorithms developed to predict the effect of missense changes on protein structure and function are either unavailable or do not agree on the potential impact of this missense change (SIFT: "Tolerated"; PolyPhen-2: "Possibly Damaging"; Align-GVGD: "Class C0"). ClinVar contains an entry for this variant (Variation ID: 574134). This variant is present in population databases (rs146261470, gnomAD 0.004%). This sequence change replaces valine, which is neutral and non-polar, with isoleucine, which is neutral and non-polar, at codon 1317 of the ANK2 protein (p.Val1317Ile).

NM_001148.6(ANK2):c.3949G>A (p.Val1317Ile)

Gene: ANK2 (ankyrin 2; plus strand). Cytogenetic location: 4q26.
Variant type: single nucleotide variant.
Coding change: c.3949G>A on transcript NM_001148.6 (MANE Select); coding-DNA position 3949, G replaced by A.
Protein change: p.Val1317Ile; replaces valine 1317 with isoleucine.
Molecular consequence: missense variant.
Genome position (GRCh38, 1-based): chr4:113,341,743, G>A. VCF-style: chr4-113341743-G-A. GRCh37 (hg19) VCF-style: chr4-114262899-G-A.
Other names: c.3922G>A, p.Val1308Ile (NM_001127493.3); c.3961G>A, p.Val1321Ile (NM_001354225.2); c.3850G>A, p.Val1284Ile (NM_001354228.2, NM_001354258.2); c.3928G>A, p.Val1310Ile (NM_001354230.2); c.3991G>A, p.Val1331Ile (NM_001354231.2, NM_001354242.2); c.3985G>A, p.Val1329Ile (NM_001354232.2); c.3946G>A, p.Val1316Ile (NM_001354235.2, NM_001354246.2, NM_001354265.2); c.3847G>A, p.Val1283Ile (NM_001354236.2); and 31 more; short protein forms V1317I, V1308I, V1189I, V1250I, V1251I, V1284I, V1296I, V1307I.
Identifiers: ClinVar variation 574134 (VCV000574134.9), dbSNP rs146261470, ClinGen allele CA3050965.